The following is an entry in ClinVar:

NM_000073.3(CD3G):c.122C>T (p.Ser41Leu)

Genes: CD3G (CD3 gamma subunit of T-cell receptor complex; plus strand), LOC126861358 (BRD4-independent group 4 enhancer GRCh37_chr11:118220212-118221411; plus strand). Cytogenetic location: 11q23.3.
Variant type: single nucleotide variant.
Coding change: c.122C>T on transcript NM_000073.3 (MANE Select); coding-DNA position 122, C replaced by T.
Protein change: p.Ser41Leu; replaces serine 41 with leucine.
Molecular consequence: missense variant.
Genome position (GRCh38, 1-based): chr11:118,349,785, C>T. VCF-style: chr11-118349785-C-T. GRCh37 (hg19) VCF-style: chr11-118220500-C-T.
Other names: short protein forms S41L.
Identifiers: ClinVar variation 661867 (VCV000661867.7), dbSNP rs201752677, ClinGen allele CA6302112.

ClinVar aggregate classification (germline): Uncertain significance. Review status: criteria provided, multiple submitters, no conflicts (2 of 4 stars). 2 submissions from 2 submitters: Uncertain significance (2). Last evaluated 2022-08-23.

Conditions:
Combined immunodeficiency due to CD3gamma deficiency. Also called: Immunodeficiency 17, CD3 gamma deficient; Immunodeficiency 17; CD3-GAMMA DEFICIENCY; SCID-LIKE IMMUNODEFICIENCY, T CELL-PARTIAL, B CELL-POSITIVE, NK CELL-POSITIVE. Identifiers: Orphanet 169082, MedGen C3810107, MONDO:0014276, OMIM 615607.

Allele frequency attached by ClinVar (database versions not stated): gnomAD exomes 0.00004; ExAC 0.00006; gnomAD 0.00009 and 0.00010; ESP Exome Variant Server 0.00015; 1000 Genomes Project 30x 0.00016; TOPMed 0.00016; 1000 Genomes Project 0.00020.

Submissions (2):

Labcorp Genetics (formerly Invitae), Labcorp
Classification: Uncertain significance for Combined immunodeficiency due to CD3gamma deficiency. Last evaluated: 2022-08-23. Review status: criteria provided, single submitter. Criteria: Invitae Variant Classification Sherloc (09022015). Collection method: clinical testing. Allele origin: germline.
Comment: This sequence change replaces serine, which is neutral and polar, with leucine, which is neutral and non-polar, at codon 41 of the CD3G protein (p.Ser41Leu). The frequency data for this variant in the population databases is considered unreliable, as metrics indicate poor data quality at this position in the gnomAD database. This variant has not been reported in the literature in individuals affected with CD3G-related conditions. ClinVar contains an entry for this variant (Variation ID: 661867). Algorithms developed to predict the effect of missense changes on protein structure and function output the following: SIFT: "Tolerated"; PolyPhen-2: "Benign"; Align-GVGD: "Class C0". The leucine amino acid residue is found in multiple mammalian species, which suggests that this missense change does not adversely affect protein function. In summary, the available evidence is currently insufficient to determine the role of this variant in disease. Therefore, it has been classified as a Variant of Uncertain Significance.

Baylor Genetics
Classification: Uncertain significance for Combined immunodeficiency due to CD3gamma deficiency. Last evaluated: 2020-05-05. Review status: criteria provided, single submitter. Criteria: ACMG Guidelines, 2015. Collection method: clinical testing. Allele origin: unknown. Affected: yes.
Comment: This variant was determined to be of uncertain significance according to ACMG Guidelines, 2015 [PMID:25741868].